The following is an entry in ClinVar:

NM_020822.3(KCNT1):c.3050T>G (p.Leu1017Arg)

Gene: KCNT1 (potassium sodium-activated channel subfamily T member 1; plus strand). Cytogenetic location: 9q34.3.
Variant type: single nucleotide variant.
Coding change: c.3050T>G on transcript NM_020822.3 (MANE Select); coding-DNA position 3050, T replaced by G.
Protein change: p.Leu1017Arg; replaces leucine 1017 with arginine.
Molecular consequence: missense variant.
Genome position (GRCh38, 1-based): chr9:135,784,783, T>G. VCF-style: chr9-135784783-T-G. GRCh37 (hg19) VCF-style: chr9-138676629-T-G.
Other names: c.2915T>G, p.Leu972Arg (NM_001272003.2); short protein forms L1017R, L972R.
Identifiers: ClinVar variation 947170 (VCV000947170.8), dbSNP rs1450164108, ClinGen allele CA375518080.
Genomic context (GRCh38, chr9:135,784,783, plus strand): 5'-CCACCTGCCCCAGCCAACTCAGGGTTCCCACCCTGCAGATGAAAATCACCGAGGGCGACC[T>G]GTGGATCCGCACGTACGGCCGCCTCTTCCAGAAGCTCTGCTCCTCCAGCGCCGAGATCCC-3'
Protein context (NP_065873.2, residues 1007-1027): LCAMKITEGD[Leu1017Arg]WIRTYGRLFQ

ClinVar aggregate classification (germline): Uncertain significance (1 of 4 stars; one submission).

Conditions:
Autosomal dominant nocturnal frontal lobe epilepsy 5. Also called: KCNT1-Related Epilepsy; CILIARY DYSKINESIA, PRIMARY, 28, WITHOUT SITUS INVERSUS; CILIARY DYSKINESIA, PRIMARY, 28, WITH SITUS INVERSUS; Epilepsy, nocturnal frontal lobe, 5. Identifiers: Orphanet 98784, MedGen C3554306, MONDO:0014002, OMIM 615005.
Developmental and epileptic encephalopathy, 14 (DEE14). Also called: Early infantile epileptic encephalopathy 14. Identifiers: Orphanet 293181, MedGen C3554195, MONDO:0013989, OMIM 614959.

Allele frequency attached by ClinVar (database versions not stated): gnomAD 0.00001; TOPMed 0.00001.
gnomAD v4.1: 1 of 1,612,550 alleles (0.000062%); highest among the groups gnomAD compares: African/African-American, 0.0013%; no homozygotes.

Submission:

Labcorp Genetics (formerly Invitae), Labcorp
Classification: Uncertain significance for Autosomal dominant nocturnal frontal lobe epilepsy 5; Developmental and epileptic encephalopathy, 14. Last evaluated: 2023-11-02. Review status: criteria provided, single submitter. Criteria: Invitae Variant Classification Sherloc (09022015). Collection method: clinical testing. Allele origin: germline.
Comment: This sequence change replaces leucine, which is neutral and non-polar, with arginine, which is basic and polar, at codon 1017 of the KCNT1 protein (p.Leu1017Arg). This variant is not present in population databases (gnomAD no frequency). This variant has not been reported in the literature in individuals affected with KCNT1-related conditions. ClinVar contains an entry for this variant (Variation ID: 947170). Advanced modeling of protein sequence and biophysical properties (such as structural, functional, and spatial information, amino acid conservation, physicochemical variation, residue mobility, and thermodynamic stability) has been performed at Invitae for this missense variant, however the output from this modeling did not meet the statistical confidence thresholds required to predict the impact of this variant on KCNT1 protein function. In summary, the available evidence is currently insufficient to determine the role of this variant in disease. Therefore, it has been classified as a Variant of Uncertain Significance.